The following is an entry in ClinVar:

NM_000059.4(BRCA2):c.5524C>G (p.Pro1842Ala)

Gene: BRCA2 (BRCA2 DNA repair associated; plus strand). Cytogenetic location: 13q13.1.
Variant type: single nucleotide variant.
Coding change: c.5524C>G on transcript NM_000059.4 (MANE Select); coding-DNA position 5524, C replaced by G.
Protein change: p.Pro1842Ala; replaces proline 1842 with alanine.
Molecular consequence: missense variant.
Genome position (GRCh38, 1-based): chr13:32,339,879, C>G. VCF-style: chr13-32339879-C-G. GRCh37 (hg19) VCF-style: chr13-32914016-C-G.
Other names: c.5524C>G, p.Pro1842Ala (NM_001406719.1, NM_001406720.1); short protein forms P1842A.
Identifiers: ClinVar variation 2038613 (VCV002038613.7), dbSNP rs2072531201, ClinGen allele CA387785890.
Genomic context (GRCh38, chr13:32,339,879, plus strand): 5'-AATAAAAATGCAGCCATTAAATTGTCCATATCTAATAGTAATAATTTTGAGGTAGGGCCA[C>G]CTGCATTTAGGATAGCCAGTGGTAAAATCGTTTGTGTTTCACATGAAACAATTAAAAAAG-3'
Protein context (NP_000050.3, residues 1832-1852): SNSNNFEVGP[Pro1842Ala]AFRIASGKIV

ClinVar aggregate classification (germline): Conflicting classifications of pathogenicity. Review status: criteria provided, conflicting classifications (1 of 4 stars). 3 submissions from 3 submitters: Uncertain significance (2); Likely benign (1). Last evaluated 2023-12-13.

Conditions:
Hereditary breast ovarian cancer syndrome. Also called: Hereditary breast and ovarian cancer syndrome; Hereditary breast and ovarian cancer syndrome (HBOC); Hereditary breast and/or ovarian cancer syndrome; Hereditary breast and ovarian cancer; BRCA1- and BRCA2-Associated Hereditary Breast and Ovarian Cancer; Breast and ovarian cancer. Identifiers: Orphanet 145, MedGen C0677776, MeSH D061325, MONDO:0003582. Disease mechanism: loss of function.
Breast-ovarian cancer, familial, susceptibility to, 2 (BROVCA2). Also called: BRCA2 Hereditary Breast and Ovarian Cancer. Identifiers: Orphanet 145, MedGen C2675520, MONDO:0012933, OMIM 612555. Disease mechanism: loss of function.
Hereditary cancer-predisposing syndrome. Also called: Hereditary Cancer Syndrome; Tumor predisposition; Neoplastic Syndromes, Hereditary; Hereditary neoplastic syndrome. Identifiers: Orphanet 140162, MedGen C0027672, MeSH D009386, MONDO:0015356.

Submissions (3):

All of Us Research Program, National Institutes of Health
Classification: Uncertain significance for Breast-ovarian cancer, familial, susceptibility to, 2. Last evaluated: 2023-12-13. Review status: criteria provided, single submitter. Criteria: ACMG Guidelines, 2015. Collection method: clinical testing. Allele origin: germline. Inheritance: Autosomal dominant inheritance. Observed: 1 variant allele, 1 heterozygote.
Comment: This missense variant replaces proline with alanine at codon 1842 of the BRCA2 protein. Computational prediction suggests that this variant may not impact protein structure and function (internally defined REVEL score threshold <= 0.5, PMID: 27666373). To our knowledge, functional studies have not been reported for this variant. This variant has not been reported in individuals affected with BRCA2-related disorders in the literature. This variant has not been identified in the general population by the Genome Aggregation Database (gnomAD). The available evidence is insufficient to determine the role of this variant in disease conclusively. Therefore, this variant is classified as a Variant of Uncertain Significance.

This study involves interpretation of variants in research participants for the purpose of population health screening. Participant phenotype was not available at the time of variant classification. Additional details can be found in publication PMID: 35346344, PMCID: PMC8962531

University of Washington Department of Laboratory Medicine, University of Washington
Classification: Likely benign for Hereditary cancer-predisposing syndrome. Last evaluated: 2023-03-23. Review status: criteria provided, single submitter. Criteria: Dines et al. (Genet Med. 2020). Collection method: curation. Allele origin: germline.
Comment: Missense variant in a coldspot region where missense variants are very unlikely to be pathogenic (PMID:31911673).

BRCA2 exon 11 coldspot. Reclassification based on statistical prior probability.

Labcorp Genetics (formerly Invitae), Labcorp
Classification: Uncertain significance for Hereditary breast ovarian cancer syndrome. Last evaluated: 2021-12-09. Review status: criteria provided, single submitter. Criteria: Invitae Variant Classification Sherloc (09022015). Collection method: clinical testing. Allele origin: germline.
Comment: This variant is not present in population databases (gnomAD no frequency). This sequence change replaces proline, which is neutral and non-polar, with alanine, which is neutral and non-polar, at codon 1842 of the BRCA2 protein (p.Pro1842Ala). This variant has not been reported in the literature in individuals affected with BRCA2-related conditions. Advanced modeling of protein sequence and biophysical properties (such as structural, functional, and spatial information, amino acid conservation, physicochemical variation, residue mobility, and thermodynamic stability) performed at Invitae indicates that this missense variant is not expected to disrupt BRCA2 protein function. In summary, the available evidence is currently insufficient to determine the role of this variant in disease. Therefore, it has been classified as a Variant of Uncertain Significance.